The following is an entry in ClinVar:

ClinVar aggregate classification (germline): Benign/Likely benign. Review status: criteria provided, multiple submitters, no conflicts (2 of 4 stars). 2 submissions from 2 submitters: Benign (1); Likely benign (1). Last evaluated 2018-11-11.

Conditions:
Hypotrichosis 6 (HYPT6). Also called: MONILETHRIX-LIKE HYPOTRICHOSIS; HYPOTRICHOSIS, LOCALIZED, AUTOSOMAL RECESSIVE 1. Identifiers: Orphanet 55654, MedGen C1842839, MONDO:0011932, OMIM 607903.

Allele frequency attached by ClinVar (database versions not stated): gnomAD exomes 0.00173; 1000 Genomes Project 0.01757; 1000 Genomes Project 30x 0.01765; gnomAD 0.01856 and 0.02017; TOPMed 0.02049.
gnomAD v4.1: 4,862 of 1,284,246 alleles (0.38%); highest among the groups gnomAD compares: African/African-American, 6.5%; 145 homozygotes.

Submissions (2):

GeneDx
Classification: Benign. Last evaluated: 2018-11-11. Review status: criteria provided, single submitter. Criteria: GeneDx Variant Classification Process June 2021. Collection method: clinical testing. Allele origin: germline. Affected: yes.

Illumina Laboratory Services, Illumina
Classification: Likely benign for Hypotrichosis 6. Last evaluated: 2017-04-28. Review status: criteria provided, single submitter. Criteria: ICSL Variant Classification Criteria 13 December 2019. Collection method: clinical testing. Allele origin: germline.
Comment: This variant was observed as part of a predisposition screen in an ostensibly healthy population. A literature search was performed for the gene, cDNA change, and amino acid change (where applicable). No publications were found based on this search. Allele frequency data from public databases allowed determination this variant is unlikely to cause disease. Therefore, this variant is classified as likely benign.

NM_177986.5(DSG4):c.*126G>A

Genes: DSG4 (desmoglein 4; plus strand), DSG1-AS1 (DSG1 antisense RNA 1; minus strand). Cytogenetic location: 18q12.1.
Variant type: single nucleotide variant.
Coding change: c.*126G>A on transcript NM_177986.5 (MANE Select); 126 bases downstream of the stop codon, G replaced by A.
Molecular consequence: 3 prime UTR variant.
Genome position (GRCh38, 1-based): chr18:31,413,721, G>A. VCF-style: chr18-31413721-G-A. GRCh37 (hg19) VCF-style: chr18-28993684-G-A.
Other names: c.*126G>A (NM_001134453.3).
Identifiers: ClinVar variation 889416 (VCV000889416.5), dbSNP rs59818622, ClinGen allele CA297704458.
Genomic context (GRCh38, chr18:31,413,721, plus strand): 5'-AATATATAATGTACCATATATATTAATAGTCAACAAATACTCAGATATTCTAAGGTCAAT[G>A]CCATTATTTGATTATACCATTTTGAGGGTGAATATGGCTAGGCACTTTAGATAAGCCTTT-3'